The following is an entry in ClinVar:

ClinVar aggregate classification (germline): Pathogenic (1 of 4 stars; one submission).

Conditions:
Mendelian susceptibility to mycobacterial diseases due to complete IL12RB1 deficiency. Also called: IL12RB1 DEFICIENCY; Immunodeficiency 30. Identifiers: Orphanet 319552, MedGen C4013949, MONDO:0013955, OMIM 614891.

Submission:

Labcorp Genetics (formerly Invitae), Labcorp
Classification: Pathogenic for Mendelian susceptibility to mycobacterial diseases due to complete IL12RB1 deficiency. Last evaluated: 2024-06-06. Review status: criteria provided, single submitter. Criteria: Invitae Variant Classification Sherloc (09022015). Collection method: clinical testing. Allele origin: germline.
Comment: This sequence change creates a premature translational stop signal (p.Trp401*) in the IL12RB1 gene. It is expected to result in an absent or disrupted protein product. Loss-of-function variants in IL12RB1 are known to be pathogenic (PMID: 9603733, 12591909). This variant is not present in population databases (gnomAD no frequency). This variant has not been reported in the literature in individuals affected with IL12RB1-related conditions. For these reasons, this variant has been classified as Pathogenic.

Literature cited by the submitters: PubMed 9603733; PubMed 12591909.

NM_005535.3(IL12RB1):c.1202G>A (p.Trp401Ter)

Gene: IL12RB1 (interleukin 12 receptor subunit beta 1; minus strand). Cytogenetic location: 19p13.11.
Variant type: single nucleotide variant.
Coding change: c.1202G>A on transcript NM_005535.3 (MANE Select); coding-DNA position 1202, G replaced by A.
Protein change: p.Trp401Ter; replaces tryptophan 401 with a stop codon.
Molecular consequence: nonsense.
Genome position (GRCh38, 1-based): chr19:18,068,514, C>T on the plus strand (G>A on the coding strand, the complement: IL12RB1 is on the minus strand). VCF-style: chr19-18068514-C-T. GRCh37 (hg19) VCF-style: chr19-18179324-C-T.
Other names: c.1322G>A, p.Trp441Ter (NM_001290024.2); c.1202G>A, p.Trp401Ter (NM_001290023.2); short protein forms W401*, W441*.
Identifiers: ClinVar variation 3712614 (VCV003712614.2).